The following is an entry in ClinVar:

NM_002900.3(RBP3):c.1538G>A (p.Arg513His)

Gene: RBP3 (retinol binding protein 3; plus strand). Cytogenetic location: 10q11.22.
Variant type: single nucleotide variant.
Coding change: c.1538G>A on transcript NM_002900.3 (MANE Select); coding-DNA position 1538, G replaced by A.
Protein change: p.Arg513His; replaces arginine 513 with histidine.
Molecular consequence: missense variant.
Genome position (GRCh38, 1-based): chr10:47,350,022, G>A. VCF-style: chr10-47350022-G-A. GRCh37 (hg19) VCF-style: chr10-48389340-C-T.
Other names: short protein forms R513H.
Identifiers: ClinVar variation 954233 (VCV000954233.8), dbSNP rs1473538262, ClinGen allele CA376670208.
Genomic context (GRCh38, chr10:47,350,022, plus strand): 5'-TGTCCTACTTCCAGGGCCCTGAGGCCGGCCCCGTGCACCTCTTCACCACCTATGATCGCC[G>A]CACCAACATCACGCAGGAGCACTTCAGCCACATGGAGCTCCCGGGCCCACGCTACAGCAC-3'
Protein context (NP_002891.1, residues 503-523): PVHLFTTYDR[Arg513His]TNITQEHFSH

ClinVar aggregate classification (germline): Uncertain significance. Review status: criteria provided, multiple submitters, no conflicts (2 of 4 stars). 2 submissions from 2 submitters: Uncertain significance (2). Last evaluated 2024-10-25.

Allele frequency attached by ClinVar (database versions not stated): gnomAD 0.00001; gnomAD exomes 0.00002; TOPMed 0.00002.

Submissions (2):

Labcorp Genetics (formerly Invitae), Labcorp
Classification: Uncertain significance. Last evaluated: 2024-10-25. Review status: criteria provided, single submitter. Criteria: Invitae Variant Classification Sherloc (09022015). Collection method: clinical testing. Allele origin: germline.
Comment: This sequence change replaces arginine, which is basic and polar, with histidine, which is basic and polar, at codon 513 of the RBP3 protein (p.Arg513His). This variant is not present in population databases (gnomAD no frequency). This variant has not been reported in the literature in individuals affected with RBP3-related conditions. ClinVar contains an entry for this variant (Variation ID: 954233). Invitae Evidence Modeling of protein sequence and biophysical properties (such as structural, functional, and spatial information, amino acid conservation, physicochemical variation, residue mobility, and thermodynamic stability) indicates that this missense variant is not expected to disrupt RBP3 protein function with a negative predictive value of 80%. In summary, the available evidence is currently insufficient to determine the role of this variant in disease. Therefore, it has been classified as a Variant of Uncertain Significance.

Blueprint Genetics
Classification: Uncertain significance. Last evaluated: 2022-04-04. Review status: criteria provided, single submitter. Criteria: ACMG Guidelines, 2015. Collection method: clinical testing. Allele origin: germline.